The following is an entry in ClinVar:

NM_020975.6(RET):c.187G>T (p.Val63Leu)

Gene: RET (ret proto-oncogene; plus strand). Cytogenetic location: 10q11.21.
Variant type: single nucleotide variant.
Coding change: c.187G>T on transcript NM_020975.6 (MANE Select); coding-DNA position 187, G replaced by T.
Protein change: p.Val63Leu; replaces valine 63 with leucine.
Molecular consequence: missense variant.
Genome position (GRCh38, 1-based): chr10:43,100,572, G>T. VCF-style: chr10-43100572-G-T. GRCh37 (hg19) VCF-style: chr10-43596020-G-T.
Other names: c.187G>T, p.Val63Leu (NM_000323.2, NM_001406743.1, NM_001406744.1 and 34 more transcripts); short protein forms V63L.
Identifiers: ClinVar variation 1781872 (VCV001781872.2), dbSNP rs770081020, ClinGen allele CA036079.

ClinVar aggregate classification (germline): Uncertain significance (1 of 4 stars; one submission).

Conditions:
Hereditary cancer-predisposing syndrome. Also called: Neoplastic Syndromes, Hereditary; Tumor predisposition; Hereditary Cancer Syndrome; Hereditary neoplastic syndrome. Identifiers: Orphanet 140162, MedGen C0027672, MeSH D009386, MONDO:0015356.

Allele frequency attached by ClinVar (database versions not stated): gnomAD exomes below 0.00001; ExAC 0.00001.
gnomAD v4.1: 1 of 1,613,896 alleles (0.000062%); highest among the groups gnomAD compares: East Asian, 0.0022%; no homozygotes.

Submission:

Ambry Genetics
Classification: Uncertain significance for Hereditary cancer-predisposing syndrome. Last evaluated: 2022-01-05. Review status: criteria provided, single submitter. Criteria: Ambry Variant Classification Scheme 2023. Collection method: clinical testing. Allele origin: germline.
Comment: The p.V63L variant (also known as c.187G>T), located in coding exon 2 of the RET gene, results from a G to T substitution at nucleotide position 187. The valine at codon 63 is replaced by leucine, an amino acid with highly similar properties. This amino acid position is conserved. In addition, this alteration is predicted to be tolerated by in silico analysis. Since supporting evidence is limited at this time, the clinical significance of this alteration remains unclear.